The following is an entry in ClinVar:

NM_004656.4(BAP1):c.438-7T>C

Gene: BAP1 (BRCA1 associated deubiquitinase 1; minus strand). Cytogenetic location: 3p21.1.
Variant type: single nucleotide variant.
Coding change: c.438-7T>C on transcript NM_004656.4 (MANE Select); 7 bases into the intron before coding-DNA position 438, T replaced by C.
Molecular consequence: intron variant.
Genome position (GRCh38, 1-based): chr3:52,407,323, A>G on the plus strand (T>C on the coding strand, the complement: BAP1 is on the minus strand). VCF-style: chr3-52407323-A-G. GRCh37 (hg19) VCF-style: chr3-52441339-A-G.
Identifiers: ClinVar variation 472703 (VCV000472703.17), dbSNP rs1374417579, ClinGen allele CA543057063.

ClinVar aggregate classification (germline): Conflicting classifications of pathogenicity. Review status: criteria provided, conflicting classifications (1 of 4 stars). 5 submissions from 5 submitters: Uncertain significance (2); Likely benign (3). Last evaluated 2026-01-31.

Conditions:
Hereditary cancer-predisposing syndrome. Also called: Neoplastic Syndromes, Hereditary; Tumor predisposition; Hereditary neoplastic syndrome; Hereditary Cancer Syndrome. Identifiers: Orphanet 140162, MedGen C0027672, MeSH D009386, MONDO:0015356.
BAP1-related tumor predisposition syndrome (TPDS1). Also called: Tumor susceptibility linked to germline BAP1 mutations; COMMON Syndrome; BAP1 tumor predisposition syndrome; TUMOR PREDISPOSITION SYNDROME 1. Identifiers: Orphanet 289539, MedGen C3280492, MONDO:0013692, OMIM 614327.

Allele frequency attached by ClinVar (database versions not stated): TOPMed 0.00003; gnomAD exomes 0.00001.

Submissions (5):

Labcorp Genetics (formerly Invitae), Labcorp
Classification: Likely benign for BAP1-related tumor predisposition syndrome. Last evaluated: 2026-01-31. Review status: criteria provided, single submitter. Criteria: Invitae Variant Classification Sherloc (09022015). Collection method: clinical testing. Allele origin: germline.

Dasa
Classification: Uncertain significance. Last evaluated: 2026-01-12. Review status: criteria provided, single submitter. Criteria: DASA Assertion Criteria. Collection method: clinical testing. Allele origin: germline.
Comment: NM_004656.4(BAP1):c.438-7T>C is a splice-region variant. This variant is rare in population databases. Computational prediction algorithms are consistent with a benign effect. The currently available literature and clinical evidence are not sufficient to establish a definitive association between this variant and the reported condition. Therefore, this variant is classified as a variant of uncertain significance.

Quest Diagnostics Nichols Institute San Juan Capistrano
Classification: Uncertain significance. Last evaluated: 2025-02-24. Review status: criteria provided, single submitter. Criteria: Quest Diagnostics criteria. Collection method: clinical testing. Allele origin: unknown.
Comment: The BAP1 c.438-7T>C variant has not been reported in individuals with BAP1-related conditions in the published literature. The frequency of this variant in the general population (Genome Aggregation Database) is uninformative in the assessment of its pathogenicity. Analysis of this variant using software algorithms for the prediction of the effect of nucleotide changes on splicing yielded predictions that this variant does not affect BAP1 mRNA splicing. Based on the available information, we are unable to determine the clinical significance of this variant.

Myriad Genetics, Inc.
Classification: Likely benign for BAP1-related tumor predisposition syndrome. Last evaluated: 2024-07-12. Review status: criteria provided, single submitter. Criteria: Myriad Autosomal Dominant, Autosomal Recessive and X-Linked Classification Criteria (2023). Collection method: clinical testing. Allele origin: unknown.
Comment: This variant is considered likely benign. This variant is intronic and is not expected to impact mRNA splicing.

Color Diagnostics, LLC DBA Color Health
Classification: Likely benign for Hereditary cancer-predisposing syndrome. Last evaluated: 2017-11-26. Review status: criteria provided, single submitter. Criteria: ACMG Guidelines, 2015. Collection method: clinical testing. Allele origin: germline.